The following is an entry in ClinVar:

NM_000051.4(ATM):c.9050_9051insTTCA (p.Lys3018fs)

Genes: ATM (ATM serine/threonine kinase; plus strand), C11orf65 (chromosome 11 open reading frame 65; minus strand). Cytogenetic location: 11q22.3.
Variant type: Insertion.
Coding change: c.9050_9051insTTCA on transcript NM_000051.4 (MANE Select); coding-DNA positions 9050 to 9051, TTCA inserted.
Protein change: p.Lys3018fs; shifts the reading frame from lysine 3018.
Molecular consequence: frameshift variant. On other transcripts: intron variant (2).
Genome position: GRCh38 VCF-style: chr11-108365387-T-TTTCA. GRCh37 (hg19) VCF-style: chr11-108236114-T-TTTCA.
Other names: c.9050_9051insTTCA, p.Lys3018fs (NM_001351834.2); c.640+20532_640+20533insTGAA (NM_001330368.2); c.694+20532_694+20533insTGAA (NM_001351110.2); short protein forms K3018fs.
Identifiers: ClinVar variation 453761 (VCV000453761.12), dbSNP rs1555151854, ClinGen allele CA658656281.

ClinVar aggregate classification (germline): Pathogenic (1 of 4 stars; one submission).

Conditions:
Ataxia-telangiectasia syndrome (AT). Also called: LOUIS-BAR SYNDROME; Cerebello-oculocutaneous telangiectasia; Immunodeficiency with ataxia telangiectasia; Ataxia-telangiectasia, complementation group D; AT, COMPLEMENTATION GROUP C; Ataxia-telangiectasia, complementation group E. Identifiers: Orphanet 100, MedGen C0004135, MONDO:0008840, OMIM 208900.

Submission:

Labcorp Genetics (formerly Invitae), Labcorp
Classification: Pathogenic for Ataxia-telangiectasia syndrome. Last evaluated: 2022-01-27. Review status: criteria provided, single submitter. Criteria: Invitae Variant Classification Sherloc (09022015). Collection method: clinical testing. Allele origin: germline.
Comment: For these reasons, this variant has been classified as Pathogenic. This variant disrupts a region of the ATM protein in which other variant(s) (p.Arg3047*) have been determined to be pathogenic (PMID: 8755918, 10980530, 18560558, 18813293, 19691550, 19781682, 23532176, 26628246). This suggests that this is a clinically significant region of the protein, and that variants that disrupt it are likely to be disease-causing. ClinVar contains an entry for this variant (Variation ID: 453761). This variant has not been reported in the literature in individuals affected with ATM-related conditions. This variant is not present in population databases (gnomAD no frequency). This sequence change creates a premature translational stop signal (p.Lys3018Serfs*46) in the ATM gene. While this is not anticipated to result in nonsense mediated decay, it is expected to disrupt the last 39 amino acid(s) of the ATM protein.

Literature cited by the submitters: PubMed 8755918; PubMed 10980530; PubMed 18560558; PubMed 18813293; PubMed 19691550; PubMed 19781682; PubMed 23532176; PubMed 26628246.